The following is an entry in ClinVar:

ClinVar aggregate classification (germline): Uncertain significance. Review status: criteria provided, multiple submitters, no conflicts (2 of 4 stars). 3 submissions from 3 submitters: Uncertain significance (3). Last evaluated 2023-11-27.

Conditions:
Leukodystrophy, hypomyelinating, 9. Identifiers: Orphanet 438114, MedGen C4015323, MONDO:0014506, OMIM 616140.

Allele frequency attached by ClinVar (database versions not stated): gnomAD 0.00001 and 0.00002; gnomAD exomes 0.00002 and 0.00003; TOPMed 0.00002; ExAC 0.00003.

Submissions (3):

Labcorp Genetics (formerly Invitae), Labcorp
Classification: Uncertain significance. Last evaluated: 2023-11-27. Review status: criteria provided, single submitter. Criteria: Invitae Variant Classification Sherloc (09022015). Collection method: clinical testing. Allele origin: germline.
Comment: This sequence change replaces arginine, which is basic and polar, with glutamine, which is neutral and polar, at codon 54 of the RARS protein (p.Arg54Gln). This variant is present in population databases (rs199706413, gnomAD 0.005%). This variant has not been reported in the literature in individuals affected with RARS-related conditions. ClinVar contains an entry for this variant (Variation ID: 1029654). An algorithm developed to predict the effect of missense changes on protein structure and function (PolyPhen-2) suggests that this variant¬†is likely to be tolerated. In summary, the available evidence is currently insufficient to determine the role of this variant in disease. Therefore, it has been classified as a Variant of Uncertain Significance.

Blueprint Genetics
Classification: Uncertain significance. Last evaluated: 2023-09-06. Review status: criteria provided, single submitter. Criteria: ACMG Guidelines, 2015. Collection method: clinical testing. Allele origin: germline.

Baylor Genetics
Classification: Uncertain significance for Leukodystrophy, hypomyelinating, 9. Last evaluated: 2019-07-12. Review status: criteria provided, single submitter. Criteria: ACMG Guidelines, 2015. Collection method: clinical testing. Allele origin: unknown. Affected: yes.
Comment: This variant was determined to be of uncertain significance according to ACMG Guidelines, 2015 [PMID:25741868].

NM_002887.4(RARS1):c.161G>A (p.Arg54Gln)

Gene: RARS1 (arginyl-tRNA synthetase 1; plus strand). Cytogenetic location: 5q34.
Variant type: single nucleotide variant.
Coding change: c.161G>A on transcript NM_002887.4 (MANE Select); coding-DNA position 161, G replaced by A.
Protein change: p.Arg54Gln; replaces arginine 54 with glutamine.
Molecular consequence: missense variant.
Genome position (GRCh38, 1-based): chr5:168,488,717, G>A. VCF-style: chr5-168488717-G-A. GRCh37 (hg19) VCF-style: chr5-167915722-G-A.
Other names: short protein forms R54Q.
Identifiers: ClinVar variation 1029654 (VCV001029654.4), dbSNP rs199706413, ClinGen allele CA3549529.